The following is an entry in ClinVar:

ClinVar aggregate classification (germline): Uncertain significance (1 of 4 stars; one submission).

gnomAD v4.1: 3 of 1,211,714 alleles (0.00025%); highest among the groups gnomAD compares: Non-Finnish European, 0.00034%; no homozygotes.

Submission:

Labcorp Genetics (formerly Invitae), Labcorp
Classification: Uncertain significance. Last evaluated: 2023-03-14. Review status: criteria provided, single submitter. Criteria: Invitae Variant Classification Sherloc (09022015). Collection method: clinical testing. Allele origin: germline.
Comment: This sequence change replaces histidine, which is basic and polar, with glutamine, which is neutral and polar, at codon 650 of the DRP2 protein (p.His650Gln). This variant is not present in population databases (gnomAD no frequency). This variant has not been reported in the literature in individuals affected with DRP2-related conditions. ClinVar contains an entry for this variant (Variation ID: 1923726). Advanced modeling of protein sequence and biophysical properties (such as structural, functional, and spatial information, amino acid conservation, physicochemical variation, residue mobility, and thermodynamic stability) performed at Invitae indicates that this missense variant is not expected to disrupt DRP2 protein function. In summary, the available evidence is currently insufficient to determine the role of this variant in disease. Therefore, it has been classified as a Variant of Uncertain Significance.

NM_001939.3(DRP2):c.1950C>G (p.His650Gln)

Gene: DRP2 (dystrophin related protein 2; plus strand). Cytogenetic location: Xq22.1.
Variant type: single nucleotide variant.
Coding change: c.1950C>G on transcript NM_001939.3 (MANE Select); coding-DNA position 1950, C replaced by G.
Protein change: p.His650Gln; replaces histidine 650 with glutamine.
Molecular consequence: missense variant.
Genome position (GRCh38, 1-based): chrX:101,252,689, C>G. VCF-style: chrX-101252689-C-G. GRCh37 (hg19) VCF-style: chrX-100507678-C-G.
Other names: c.1716C>G, p.His572Gln (NM_001171184.2); short protein forms H650Q, H572Q.
Identifiers: ClinVar variation 1923726 (VCV001923726.5), dbSNP rs2520284573, ClinGen allele CA413933489.